The following is an entry in ClinVar:

ClinVar aggregate classification (germline): Benign/Likely benign. Review status: criteria provided, multiple submitters, no conflicts (2 of 4 stars). 17 submissions from 17 submitters: Benign (6); Likely benign (6). 5 of the submissions do not count toward it. Last evaluated 2026-09-01.

Conditions:
Distal myopathy, Tateyama type (MPDT). Also called: CAV3-Related Distal Myopathy. Identifiers: Orphanet 488650, MedGen C3280443, MONDO:0013686, OMIM 614321.
Rippling muscle disease 2 (RMD2). Also called: Limb-girdle muscular dystrophy, type 1C; CAV3-Related Rippling Muscle Disease. Identifiers: Orphanet 265, MedGen C1832560, MONDO:0019947, OMIM 606072.
Long QT syndrome 9 (LQT9). Identifiers: Orphanet 101016, Orphanet 768, MedGen C2678485, MONDO:0012736, OMIM 611818.
Elevated circulating creatine kinase activity. Also called: Elevated serum creatine phosphokinase; Elevated creatine kinase; Elevated circulating creatine kinase concentration. Identifiers: MedGen C0241005, HP:0003236.
Hypertrophic cardiomyopathy 1 (CMH1). Also called: Familial hypertrophic cardiomyopathy 1; MYH7-Related Familial Hypertrophic Cardiomyopathy. Identifiers: MedGen C3495498, MONDO:0008647, OMIM 192600.
Cardiovascular phenotype. Identifiers: MedGen CN230736.
Cardiomyopathy (CMYO). Also called: Cardiomyopathies. Identifiers: Orphanet 167848, MedGen C0878544, MONDO:0004994, HP:0001638. Inheritance: Various modes of inheritance.
Long QT syndrome (LQTS). Identifiers: MedGen C0023976, MeSH D008133, MONDO:0002442. Disease mechanism: loss of function. Inheritance: Various modes of inheritance.
Caveolinopathy. Identifiers: Orphanet 207078, MedGen C5679790, MONDO:0016146.

Allele frequency attached by ClinVar (database versions not stated): 1000 Genomes Project 30x 0.00094; ESP Exome Variant Server 0.00169; gnomAD 0.00157; 1000 Genomes Project 0.00100; ExAC 0.00190; TOPMed 0.00101; gnomAD exomes 0.00164.
gnomAD v4.1: 2,942 of 1,614,120 alleles (0.18%); highest among the groups gnomAD compares: Non-Finnish European, 0.2%; 5 homozygotes.

Submissions (17):

CeGaT Center for Human Genetics Tuebingen
Classification: Likely benign. Last evaluated: 2026-09-01. Review status: criteria provided, single submitter. Criteria: CeGaT Center For Human Genetics Tuebingen Variant Classification Criteria Version 2. Collection method: clinical testing. Allele origin: germline. Affected: yes. Observed: 10 variant alleles.
Comment: CAV3: BP4, BP7

Labcorp Genetics (formerly Invitae), Labcorp
Classification: Benign for Long QT syndrome. Last evaluated: 2026-02-04. Review status: criteria provided, single submitter. Criteria: Invitae Variant Classification Sherloc (09022015). Collection method: clinical testing. Allele origin: germline.

Blueprint Genetics
Classification: Benign. Last evaluated: 2024-09-25. Review status: criteria provided, single submitter. Criteria: ACMG Guidelines, 2015. Collection method: clinical testing. Allele origin: germline.

Fulgent Genetics
Classification: Likely benign for Creatine phosphokinase, elevated serum; Hypertrophic cardiomyopathy 1; Rippling muscle disease 2; Long QT syndrome 9; Distal myopathy, Tateyama type. Last evaluated: 2021-08-12. Review status: criteria provided, single submitter. Criteria: ACMG Guidelines, 2015. Collection method: clinical testing. Allele origin: unknown.

ARUP Laboratories, Molecular Genetics and Genomics, ARUP Laboratories
Classification: Benign. Last evaluated: 2019-10-31. Review status: criteria provided, single submitter. Criteria: ARUP Molecular Germline Variant Investigation Process. Collection method: clinical testing. Allele origin: germline.

Illumina Laboratory Services, Illumina
Classification: Benign for Caveolinopathy. Last evaluated: 2017-04-27. Review status: criteria provided, single submitter. Criteria: ICSL Variant Classification Criteria 13 December 2019. Collection method: clinical testing. Allele origin: germline.
Comment: This variant was observed as part of a predisposition screen in an ostensibly healthy population. A literature search was performed for the gene, cDNA change, and amino acid change (where applicable). No publications were found based on this search. Allele frequency data from public databases was too high to be consistent with this variant causing disease. Therefore, this variant is classified as benign.

CHEO Genetics Diagnostic Laboratory, Children's Hospital of Eastern Ontario
Classification: Benign for Cardiomyopathy. Last evaluated: 2016-12-12. Review status: criteria provided, single submitter. Criteria: ACMG Guidelines, 2015. Collection method: clinical testing. Allele origin: germline. Study: Canadian Open Genetics Repository.

Eurofins Ntd Llc (ga)
Classification: Likely benign. Last evaluated: 2015-07-08. Review status: criteria provided, single submitter. Criteria: EGL Classification Definitions 2015. Collection method: clinical testing. Allele origin: germline. Observed: 1 variant allele, 1 heterozygote.

Ambry Genetics
Classification: Likely benign for Cardiovascular phenotype. Last evaluated: 2015-06-11. Review status: criteria provided, single submitter. Criteria: Ambry Variant Classification Scheme 2023. Collection method: clinical testing. Allele origin: germline.

Laboratory for Molecular Medicine, Mass General Brigham Personalized Medicine
Classification: Likely benign. Last evaluated: 2012-06-14. Review status: criteria provided, single submitter. Criteria: LMM Criteria. Collection method: clinical testing. Allele origin: germline. Observed: 7 variant alleles.
Comment: Ile112Ile in exon 2 of CAV3: This variant is not expected to have clinical signi ficance because it does not alter an amino acid residue and is not located withi n the splice consensus sequence. It has been identified in 0.2% (15/7020) of Eur opean American chromosomes from a broad population by the NHLBI Exome Sequencing Project (dbSNP rs139985460). Ile112Ile in ex on 2 of CAV3 (rs139985460; allele frequency = 0.2%, 15/7020) **

GeneDx
Classification: Benign. Last evaluated: 2012-04-03. Review status: criteria provided, single submitter. Criteria: GeneDx Variant Classification (06012015). Collection method: clinical testing. Allele origin: germline. Affected: yes.
Comment: This variant is considered likely benign or benign based on one or more of the following criteria: it is a conservative change, it occurs at a poorly conserved position in the protein, it is predicted to be benign by multiple in silico algorithms, and/or has population frequency not consistent with disease.

PreventionGenetics, part of Exact Sciences
Classification: Likely benign. Review status: criteria provided, single submitter. Criteria: ACMG Guidelines, 2015. Collection method: clinical testing. Allele origin: germline.

Clinical Genetics, Academic Medical Center
Classification: Benign. Review status: no assertion criteria provided. Collection method: clinical testing. Allele origin: germline. Affected: yes. Study: VKGL Data-share Consensus. Not counted in ClinVar's aggregate classification.

Diagnostic Laboratory, Department of Genetics, University Medical Center Groningen
Classification: Likely benign. Review status: no assertion criteria provided. Collection method: clinical testing. Allele origin: germline. Affected: yes. Study: VKGL Data-share Consensus. Not counted in ClinVar's aggregate classification.

Genome Diagnostics Laboratory, University Medical Center Utrecht
Classification: Benign. Review status: no assertion criteria provided. Collection method: clinical testing. Allele origin: germline. Affected: yes. Study: VKGL Data-share Consensus. Not counted in ClinVar's aggregate classification.

Joint Genome Diagnostic Labs from Nijmegen and Maastricht, Radboudumc and MUMC+
Classification: Benign. Review status: no assertion criteria provided. Collection method: clinical testing. Allele origin: germline. Affected: yes. Study: VKGL Data-share Consensus. Not counted in ClinVar's aggregate classification.

Laboratory of Diagnostic Genome Analysis, Leiden University Medical Center (LUMC)
Classification: Benign. Review status: no assertion criteria provided. Collection method: clinical testing. Allele origin: germline. Affected: yes. Study: VKGL Data-share Consensus. Not counted in ClinVar's aggregate classification.

NM_033337.3(CAV3):c.336C>T (p.Ile112=)

Genes: OXTR (oxytocin receptor; minus strand), CAV3 (caveolin 3; plus strand). Cytogenetic location: 3p25.3.
Variant type: single nucleotide variant.
Coding change: c.336C>T on transcript NM_033337.3 (MANE Select); coding-DNA position 336, C replaced by T.
Protein change: p.Ile112=; no amino-acid change (isoleucine 112 retained).
Molecular consequence: synonymous variant.
Genome position (GRCh38, 1-based): chr3:8,745,747, C>T. VCF-style: chr3-8745747-C-T. GRCh37 (hg19) VCF-style: chr3-8787433-C-T.
Other names: p.I112I:ATC>ATT; c.336C>T, p.Ile112= (NM_001234.5).
Identifiers: ClinVar variation 46536 (VCV000046536.81), dbSNP rs139985460, ClinGen allele CA138575.